The following is an entry in ClinVar:

ClinVar aggregate classification (germline): Pathogenic (1 of 4 stars; one submission).

Conditions:
Fanconi anemia (FA). Also called: Fanconi's anemia. Identifiers: Orphanet 84, MedGen C0015625, MeSH D005199, MONDO:0019391.

Submission:

Labcorp Genetics (formerly Invitae), Labcorp
Classification: Pathogenic for Fanconi anemia. Last evaluated: 2022-04-16. Review status: criteria provided, single submitter. Criteria: Invitae Variant Classification Sherloc (09022015). Collection method: clinical testing. Allele origin: germline.
Comment: For these reasons, this variant has been classified as Pathogenic. Algorithms developed to predict the effect of sequence changes on RNA splicing suggest that this variant may disrupt the consensus splice site. This variant has not been reported in the literature in individuals affected with FANCA-related conditions. This variant is not present in population databases (gnomAD no frequency). This sequence change creates a premature translational stop signal (p.Glu526*) in the FANCA gene. It is expected to result in an absent or disrupted protein product. Loss-of-function variants in FANCA are known to be pathogenic (PMID: 19367192).

Literature cited by the submitters: PubMed 19367192.

NM_000135.4(FANCA):c.1576G>T (p.Glu526Ter)

Gene: FANCA (FA complementation group A; minus strand). Cytogenetic location: 16q24.3.
Variant type: single nucleotide variant.
Coding change: c.1576G>T on transcript NM_000135.4 (MANE Select); coding-DNA position 1576, G replaced by T.
Protein change: p.Glu526Ter; replaces glutamic acid 526 with a stop codon.
Molecular consequence: nonsense.
Genome position (GRCh38, 1-based): chr16:89,782,909, C>A on the plus strand (G>T on the coding strand, the complement: FANCA is on the minus strand). VCF-style: chr16-89782909-C-A. GRCh37 (hg19) VCF-style: chr16-89849317-C-A.
Other names: c.1576G>T, p.Glu526Ter (NM_001286167.3); short protein forms E526*.
Identifiers: ClinVar variation 2126831 (VCV002126831.4), dbSNP rs1274321707, ClinGen allele CA397458019.